The following is an entry in ClinVar:

ClinVar aggregate classification (germline): Conflicting classifications of pathogenicity. Review status: criteria provided, conflicting classifications (1 of 4 stars). 2 submissions from 2 submitters: Likely pathogenic (1); Uncertain significance (1). Last evaluated 2025-09-09.

Conditions:
Spastic paraplegia. Identifiers: MedGen C0037772, HP:0001258.

Allele frequency attached by ClinVar (database versions not stated): gnomAD exomes below 0.00001 and 0.00001; ExAC 0.00001; gnomAD 0.00001; TOPMed 0.00001.
gnomAD v4.1: 3 of 1,611,984 alleles (0.00019%); highest among the groups gnomAD compares: Admixed American, 0.0017%; no homozygotes.

Submissions (2):

Labcorp Genetics (formerly Invitae), Labcorp
Classification: Uncertain significance for Spastic paraplegia. Last evaluated: 2025-09-09. Review status: criteria provided, single submitter. Criteria: Invitae Variant Classification Sherloc (09022015). Collection method: clinical testing. Allele origin: germline.
Comment: This sequence change replaces isoleucine, which is neutral and non-polar, with threonine, which is neutral and polar, at codon 144 of the ERLIN2 protein (p.Ile144Thr). This variant is present in population databases (rs745877709, gnomAD 0.003%). This missense change has been observed in individual(s) with clinical features of hereditary spastic paraplegia (internal data). ClinVar contains an entry for this variant (Variation ID: 384427). Invitae Evidence Modeling of protein sequence and biophysical properties (such as structural, functional, and spatial information, amino acid conservation, physicochemical variation, residue mobility, and thermodynamic stability) indicates that this missense variant is expected to disrupt ERLIN2 protein function with a positive predictive value of 80%. In summary, the available evidence is currently insufficient to determine the role of this variant in disease. Therefore, it has been classified as a Variant of Uncertain Significance.

GeneDx
Classification: Likely pathogenic. Last evaluated: 2016-03-03. Review status: criteria provided, single submitter. Criteria: GeneDx Variant Classification (06012015). Collection method: clinical testing. Allele origin: germline. Affected: yes.
Comment: The I144T variant in the ERLIN2 gene has not been reported previously as a pathogenic variant, nor as a benign variant, to our knowledge. The I144T variant was not observed in approximately 6500 individuals of European and African American ancestry in the NHLBI Exome Sequencing Project, indicating it is not a common benign variant in these populations. The I144T variant is a non-conservative amino acid substitution, which is likely to impact secondary protein structure as these residues differ in polarity, charge, size and/or other properties. This substitution occurs at a position that is conserved across species and in silico analysis predicts this variant is probably damaging to the protein structure/function. The I144T variant is a strong candidate for a pathogenic variant, however the possibility it may be a rare benign variant cannot be excluded.

NM_007175.8(ERLIN2):c.431T>C (p.Ile144Thr)

Gene: ERLIN2 (ER lipid raft associated 2; plus strand). Cytogenetic location: 8p11.23.
Variant type: single nucleotide variant.
Coding change: c.431T>C on transcript NM_007175.8 (MANE Select); coding-DNA position 431, T replaced by C.
Protein change: p.Ile144Thr; replaces isoleucine 144 with threonine.
Molecular consequence: missense variant.
Genome position (GRCh38, 1-based): chr8:37,749,565, T>C. VCF-style: chr8-37749565-T-C. GRCh37 (hg19) VCF-style: chr8-37607083-T-C.
Other names: c.431T>C, p.Ile144Thr (NM_001362878.2); short protein forms I144T.
Identifiers: ClinVar variation 384427 (VCV000384427.3), dbSNP rs745877709, ClinGen allele CA4710898.